The following is an entry in ClinVar:

ClinVar aggregate classification (germline): Uncertain significance. Review status: criteria provided, multiple submitters, no conflicts (2 of 4 stars). 2 submissions from 2 submitters: Uncertain significance (2). Last evaluated 2025-11-16.

Conditions:
Maturity-onset diabetes of the young type 4 (MODY4). Also called: Maturity-onset diabetes of the young, type IV; MODY, type IV. Identifiers: Orphanet 552, MedGen C1833382, MONDO:0011667, OMIM 606392.
Pancreatic agenesis 1 (PAGEN1). Also called: PANCREATIC HYPOPLASIA, CONGENITAL. Identifiers: Orphanet 2805, MedGen C3891828, MONDO:0024547, OMIM 260370.
Type 2 diabetes mellitus. Also called: Type II diabetes mellitus. Identifiers: MedGen C0011860, MeSH D003924, MONDO:0005148, OMIM 125853, HP:0005978.
PDX1-related disorder. Also called: PDX1-related disorders; PDX1-related condition.

gnomAD v4.1: 8 of 1,577,248 alleles (0.00051%); highest among the groups gnomAD compares: Admixed American, 0.009%; no homozygotes.

Submissions (2):

PreventionGenetics, part of Exact Sciences
Classification: Uncertain significance for PDX1-related condition. Last evaluated: 2025-11-16. Review status: criteria provided, single submitter. Criteria: ACMG Guidelines, 2015. Collection method: clinical testing. Allele origin: germline.
Comment: The PDX1 c.697G>A variant is predicted to result in the amino acid substitution p.Glu233Lys. To our knowledge, this variant has not been reported in the literature. This variant is reported in 0.0071% of alleles in individuals of Latino descent in gnomAD. At this time, the clinical significance of this variant is uncertain due to the absence of conclusive functional and genetic evidence.

Fulgent Genetics
Classification: Uncertain significance for Type 2 diabetes mellitus; Pancreatic agenesis 1; Maturity-onset diabetes of the young type 4. Last evaluated: 2024-01-10. Review status: criteria provided, single submitter. Criteria: ACMG Guidelines, 2015. Collection method: clinical testing. Allele origin: germline.

NM_000209.4(PDX1):c.697G>A (p.Glu233Lys)

Gene: PDX1 (pancreatic and duodenal homeobox 1; plus strand). Cytogenetic location: 13q12.2.
Variant type: single nucleotide variant.
Coding change: c.697G>A on transcript NM_000209.4 (MANE Select); coding-DNA position 697, G replaced by A.
Protein change: p.Glu233Lys; replaces glutamic acid 233 with lysine.
Molecular consequence: missense variant.
Genome position (GRCh38, 1-based): chr13:27,924,546, G>A. VCF-style: chr13-27924546-G-A. GRCh37 (hg19) VCF-style: chr13-28498683-G-A.
Other names: c.697G>A (NM_000209.3); short protein forms E233K.
Identifiers: ClinVar variation 3575854 (VCV003575854.2).